The following is an entry in ClinVar:

ClinVar aggregate classification (germline): Conflicting classifications of pathogenicity. Review status: criteria provided, conflicting classifications (1 of 4 stars). 4 submissions from 4 submitters: Uncertain significance (2); Likely benign (2). Last evaluated 2026-08-26.

Conditions:
CSF2RB-related disorder. Also called: CSF2RB-related condition.

Allele frequency attached by ClinVar (database versions not stated): gnomAD 0.00008 and 0.00011; gnomAD exomes 0.00013 and 0.00025; TOPMed 0.00013; ExAC 0.00029; 1000 Genomes Project 30x 0.00062; 1000 Genomes Project 0.00080.
gnomAD v4.1: 205 of 1,613,010 alleles (0.013%); highest among the groups gnomAD compares: South Asian, 0.12%; no homozygotes.

Submissions (4):

PreventionGenetics, part of Exact Sciences
Classification: Likely benign for CSF2RB-related condition. Last evaluated: 2026-08-26. Review status: criteria provided, single submitter. Criteria: ACMG Guidelines, 2015. Collection method: clinical testing. Allele origin: germline.
Comment: This variant is classified as likely benign based on ACMG/AMP sequence variant interpretation guidelines (Richards et al. 2015 PMID: 25741868, with internal and published modifications).

Labcorp Genetics (formerly Invitae), Labcorp
Classification: Uncertain significance. Last evaluated: 2026-01-04. Review status: criteria provided, single submitter. Criteria: Invitae Variant Classification Sherloc (09022015). Collection method: clinical testing. Allele origin: germline.
Comment: This sequence change replaces glycine, which is neutral and non-polar, with serine, which is neutral and polar, at codon 298 of the CSF2RB protein (p.Gly298Ser). This variant is present in population databases (rs576486802, gnomAD 0.2%), and has an allele count higher than expected for a pathogenic variant. This variant has not been reported in the literature in individuals affected with CSF2RB-related conditions. ClinVar contains an entry for this variant (Variation ID: 1350540). Invitae Evidence Modeling of protein sequence and biophysical properties (such as structural, functional, and spatial information, amino acid conservation, physicochemical variation, residue mobility, and thermodynamic stability) indicates that this missense variant is not expected to disrupt CSF2RB protein function with a negative predictive value of 80%. In summary, the available evidence is currently insufficient to determine the role of this variant in disease. Therefore, it has been classified as a Variant of Uncertain Significance.

GeneDx
Classification: Uncertain significance. Last evaluated: 2025-05-28. Review status: criteria provided, single submitter. Criteria: GeneDx Variant Classification Process June 2021. Collection method: clinical testing. Allele origin: germline. Affected: yes.
Comment: In silico analysis suggests that this missense variant does not alter protein structure/function; Has not been previously published as pathogenic or benign germline variant to our knowledge; This variant is associated with the following publications: (PMID: 32579932)

Blueprint Genetics
Classification: Likely benign. Last evaluated: 2024-09-12. Review status: criteria provided, single submitter. Criteria: ACMG Guidelines, 2015. Collection method: clinical testing. Allele origin: germline.

NM_000395.3(CSF2RB):c.892G>A (p.Gly298Ser)

Gene: CSF2RB (colony stimulating factor 2 receptor subunit beta; plus strand). Cytogenetic location: 22q12.3.
Variant type: single nucleotide variant.
Coding change: c.892G>A on transcript NM_000395.3 (MANE Select); coding-DNA position 892, G replaced by A.
Protein change: p.Gly298Ser; replaces glycine 298 with serine.
Molecular consequence: missense variant.
Genome position (GRCh38, 1-based): chr22:36,930,710, G>A. VCF-style: chr22-36930710-G-A. GRCh37 (hg19) VCF-style: chr22-37326752-G-A.
Other names: c.892G>A (NM_000395.2); short protein forms G298S.
Identifiers: ClinVar variation 1350540 (VCV001350540.9), dbSNP rs576486802, ClinGen allele CA10213639.